The following is an entry in ClinVar:

NM_020949.3(SLC7A14):c.1723C>A (p.Leu575Ile)

Genes: SLC7A14 (solute carrier family 7 member 14; minus strand), SLC7A14-AS1 (SLC7A14 antisense RNA 1; plus strand). Cytogenetic location: 3q26.2.
Variant type: single nucleotide variant.
Coding change: c.1723C>A on transcript NM_020949.3 (MANE Select); coding-DNA position 1723, C replaced by A.
Protein change: p.Leu575Ile; replaces leucine 575 with isoleucine.
Molecular consequence: missense variant.
Genome position (GRCh38, 1-based): chr3:170,480,559, G>T on the plus strand (C>A on the coding strand, the complement: SLC7A14 is on the minus strand). VCF-style: chr3-170480559-G-T. GRCh37 (hg19) VCF-style: chr3-170198348-G-T.
Other names: short protein forms L575I.
Identifiers: ClinVar variation 2811640 (VCV002811640.3), dbSNP rs755678827, ClinGen allele CA2701574.

ClinVar aggregate classification (germline): Uncertain significance (1 of 4 stars; one submission).

Allele frequency attached by ClinVar (database versions not stated): ExAC 0.00002.

Submission:

Labcorp Genetics (formerly Invitae), Labcorp
Classification: Uncertain significance. Last evaluated: 2022-11-02. Review status: criteria provided, single submitter. Criteria: Invitae Variant Classification Sherloc (09022015). Collection method: clinical testing. Allele origin: germline.
Comment: In summary, the available evidence is currently insufficient to determine the role of this variant in disease. Therefore, it has been classified as a Variant of Uncertain Significance. Algorithms developed to predict the effect of missense changes on protein structure and function (SIFT, PolyPhen-2, Align-GVGD) all suggest that this variant is likely to be tolerated. This variant has not been reported in the literature in individuals affected with SLC7A14-related conditions. This variant is present in population databases (rs755678827, gnomAD 0.006%). This sequence change replaces leucine, which is neutral and non-polar, with isoleucine, which is neutral and non-polar, at codon 575 of the SLC7A14 protein (p.Leu575Ile).